The following is an entry in ClinVar:

NM_004380.3(CREBBP):c.2512C>A (p.Pro838Thr)

Gene: CREBBP (CREB binding lysine acetyltransferase; minus strand). Cytogenetic location: 16p13.3.
Variant type: single nucleotide variant.
Coding change: c.2512C>A on transcript NM_004380.3 (MANE Select); coding-DNA position 2512, C replaced by A.
Protein change: p.Pro838Thr; replaces proline 838 with threonine.
Molecular consequence: missense variant.
Genome position (GRCh38, 1-based): chr16:3,770,938, G>T on the plus strand (C>A on the coding strand, the complement: CREBBP is on the minus strand). VCF-style: chr16-3770938-G-T. GRCh37 (hg19) VCF-style: chr16-3820939-G-T.
Other names: c.2398C>A, p.Pro800Thr (NM_001079846.1); short protein forms P800T, P838T.
Identifiers: ClinVar variation 2969235 (VCV002969235.3), dbSNP rs2548416485, ClinGen allele CA394551858.

ClinVar aggregate classification (germline): Uncertain significance (1 of 4 stars; one submission).

Conditions:
Rubinstein-Taybi syndrome (RSTS). Identifiers: Orphanet 783, MedGen C0035934, MONDO:0019188.

Submission:

Labcorp Genetics (formerly Invitae), Labcorp
Classification: Uncertain significance for Rubinstein-Taybi syndrome. Last evaluated: 2023-03-16. Review status: criteria provided, single submitter. Criteria: Invitae Variant Classification Sherloc (09022015). Collection method: clinical testing. Allele origin: germline.
Comment: This sequence change replaces proline, which is neutral and non-polar, with threonine, which is neutral and polar, at codon 838 of the CREBBP protein (p.Pro838Thr). In summary, the available evidence is currently insufficient to determine the role of this variant in disease. Therefore, it has been classified as a Variant of Uncertain Significance. Advanced modeling of protein sequence and biophysical properties (such as structural, functional, and spatial information, amino acid conservation, physicochemical variation, residue mobility, and thermodynamic stability) performed at Invitae indicates that this missense variant is not expected to disrupt CREBBP protein function. This variant has not been reported in the literature in individuals affected with CREBBP-related conditions. This variant is not present in population databases (gnomAD no frequency).